The following is an entry in ClinVar:

NM_138694.4(PKHD1):c.7594_7597del (p.Ser2532fs)

Gene: PKHD1 (PKHD1 ciliary IPT domain containing fibrocystin/polyductin; minus strand). Cytogenetic location: 6p12.2.
Variant type: Microsatellite.
Coding change: c.7594_7597del on transcript NM_138694.4 (MANE Select); coding-DNA positions 7594 to 7597, 4 bases deleted (TCTG; older notation c.7594_7597delTCTG).
Protein change: p.Ser2532fs; shifts the reading frame from serine 2532.
Molecular consequence: frameshift variant.
Genome position (GRCh38, 1-based): chr6:51,867,999-51,868,002, CAGA deleted on the plus strand (TCTG on the coding strand, the reverse complement: PKHD1 is on the minus strand); deleting any 4 consecutive bases within chr6:51,867,999-51,868,006 gives the same sequence; the c. name uses the placement nearest the transcript's 3' end. VCF-style (leftmost placement, unchanged base first): chr6-51867998-CCAGA-C. GRCh37 (hg19) VCF-style: chr6-51732796-CCAGA-C.
Other names: c.7594_7597del, p.Ser2532fs (NM_170724.3); c.7594_7597del (NM_138694.3); short protein forms S2532fs.
Identifiers: ClinVar variation 2021566 (VCV002021566.6), dbSNP rs2535976753, ClinGen allele CA2580617251.

ClinVar aggregate classification (germline): Pathogenic/Likely pathogenic. Review status: criteria provided, multiple submitters, no conflicts (2 of 4 stars). 3 submissions from 3 submitters: Pathogenic (2); Likely pathogenic (1). Last evaluated 2024-11-01.

Conditions:
Autosomal recessive polycystic kidney disease (ARPKD). Also called: AR polycystic kidney disease. Identifiers: Orphanet 731, Orphanet 8378, MedGen C0085548, MeSH D017044, MONDO:0009889.
Polycystic kidney disease 4 (PKD4). Also called: POLYCYSTIC KIDNEY DISEASE 4 WITH OR WITHOUT POLYCYSTIC LIVER DISEASE; POLYCYSTIC KIDNEY AND HEPATIC DISEASE 1; POLYCYSTIC KIDNEY DISEASE, INFANTILE, TYPE I; PKD3; Autosomal Recessive Polycystic Kidney Disease – PKHD1. Identifiers: MedGen C4540575, MONDO:0033004, OMIM 263200.

Submissions (3):

Myriad Genetics, Inc.
Classification: Pathogenic for Polycystic kidney disease 4. Last evaluated: 2024-11-01. Review status: criteria provided, single submitter. Criteria: Myriad Autosomal Dominant, Autosomal Recessive and X-Linked Classification Criteria (2023). Collection method: clinical testing. Allele origin: unknown.
Comment: NM_138694.3(PKHD1):c.7594_7597delTCTG(S2532Gfs*46) is expected to be pathogenic in the context of autosomal recessive polycystic kidney disease, PKHD1-related. This variant is predicted to lead to an abnormal or absent protein product due to the creation of a premature termination codon in PKHD1, a gene where loss-of-function variants are known to be pathogenic. Please note: this variant was assessed in the context of healthy population screening.

Natera, Inc.
Classification: Likely pathogenic for Autosomal recessive polycystic kidney disease. Last evaluated: 2024-09-20. Review status: criteria provided, single submitter. Criteria: Natera Variant Classification Schema (03/2026). Collection method: clinical testing. Allele origin: germline.
Comment: The c.7594_7597del variant in PKHD1 is a frameshift variant predicted to shift the reading frame beginning at codon 2532 and leads to a stop codon 46 codons downstream. This variant is expected to result in nonsense mediated decay, truncation, or a dysfunctional protein product. This variant is rare in the general population with a frequency below the threshold expected for the associated phenotype(s). Given the available evidence, this variant is classified as Likely Pathogenic.

Labcorp Genetics (formerly Invitae), Labcorp
Classification: Pathogenic for Autosomal recessive polycystic kidney disease. Last evaluated: 2022-08-04. Review status: criteria provided, single submitter. Criteria: Invitae Variant Classification Sherloc (09022015). Collection method: clinical testing. Allele origin: germline.
Comment: This sequence change creates a premature translational stop signal (p.Ser2532Glyfs*46) in the PKHD1 gene. It is expected to result in an absent or disrupted protein product. Loss-of-function variants in PKHD1 are known to be pathogenic (PMID: 19940839). This variant is not present in population databases (gnomAD no frequency). This variant has not been reported in the literature in individuals affected with PKHD1-related conditions. For these reasons, this variant has been classified as Pathogenic.

Literature cited by the submitters: PubMed 19940839 (cited by Labcorp Genetics (formerly Invitae), Labcorp).